The following is an entry in ClinVar:

NM_181486.4(TBX5):c.962dup (p.Tyr321Ter)

Gene: TBX5 (T-box transcription factor 5; minus strand). Cytogenetic location: 12q24.21.
Variant type: Duplication.
Coding change: c.962dup on transcript NM_181486.4 (MANE Select); coding-DNA position 962, one base duplicated (A; older notation c.962dupA).
Protein change: p.Tyr321Ter; replaces tyrosine 321 with a stop codon.
Molecular consequence: nonsense.
Genome position (GRCh38, 1-based): chr12:114,366,185, T duplicated on the plus strand (A on the coding strand, the reverse complement: TBX5 is on the minus strand). VCF-style (leftmost placement, unchanged base first): chr12-114366184-G-GT. GRCh37 (hg19) VCF-style: chr12-114803989-G-GT.
Other names: c.962dup, p.Tyr321Ter (NM_000192.3); c.812dup, p.Tyr271Ter (NM_080717.4); short protein forms Y271*, Y321*.
Identifiers: ClinVar variation 3725081 (VCV003725081.2).

ClinVar aggregate classification (germline): Pathogenic (1 of 4 stars; one submission).

Conditions:
Aortic valve disease 2 (AOVD2). Identifiers: MedGen C3542024, MONDO:0013902, OMIM 614823.

Submission:

Labcorp Genetics (formerly Invitae), Labcorp
Classification: Pathogenic for Aortic valve disease 2. Last evaluated: 2024-11-12. Review status: criteria provided, single submitter. Criteria: Invitae Variant Classification Sherloc (09022015). Collection method: clinical testing. Allele origin: germline.
Comment: This sequence change creates a premature translational stop signal (p.Tyr321*) in the TBX5 gene. While this is not anticipated to result in nonsense mediated decay, it is expected to disrupt the last 198 amino acid(s) of the TBX5 protein. This variant is not present in population databases (gnomAD no frequency). This variant has not been reported in the literature in individuals affected with TBX5-related conditions. This variant disrupts a region of the TBX5 protein in which other variant(s) (p.Tyr368*) have been determined to be pathogenic (internal data). This suggests that this is a clinically significant region of the protein, and that variants that disrupt it are likely to be disease-causing. For these reasons, this variant has been classified as Pathogenic.